The following is an entry in ClinVar:

ClinVar aggregate classification (germline): Uncertain significance. Review status: criteria provided, multiple submitters, no conflicts (2 of 4 stars). 2 submissions from 2 submitters: Uncertain significance (2). Last evaluated 2026-01-26.

Conditions:
Inborn genetic diseases. Identifiers: MedGen C0950123, MeSH D030342.
Myoclonic dystonia 11 (DYT11). Also called: Myoclonic dystonia; Dystonia 11; Dystonia, alcohol responsive; Hereditary essential myoclonus; SGCE Myoclonus-Dystonia; Myoclonus-Dystonia. Identifiers: Orphanet 36899, MedGen C1834570, MONDO:0008044, OMIM 159900.

Allele frequency attached by ClinVar (database versions not stated): gnomAD exomes 0.00004; ExAC 0.00006; TOPMed 0.00016; gnomAD 0.00018 and 0.00019; ESP Exome Variant Server 0.00023.
gnomAD v4.1: 53 of 1,605,294 alleles (0.0033%); highest among the groups gnomAD compares: African/African-American, 0.071%; no homozygotes.

Submissions (2):

Labcorp Genetics (formerly Invitae), Labcorp
Classification: Uncertain significance for Myoclonic dystonia 11. Last evaluated: 2026-01-26. Review status: criteria provided, single submitter. Criteria: Invitae Variant Classification Sherloc (09022015). Collection method: clinical testing. Allele origin: germline.
Comment: This sequence change replaces arginine, which is basic and polar, with serine, which is neutral and polar, at codon 143 of the SGCE protein (p.Arg143Ser). This variant is present in population databases (rs145010266, gnomAD 0.08%), and has an allele count higher than expected for a pathogenic variant. This variant has not been reported in the literature in individuals affected with SGCE-related conditions. ClinVar contains an entry for this variant (Variation ID: 1414820). Invitae Evidence Modeling of protein sequence and biophysical properties (such as structural, functional, and spatial information, amino acid conservation, physicochemical variation, residue mobility, and thermodynamic stability) indicates that this missense variant is not expected to disrupt SGCE protein function with a negative predictive value of 80%. In summary, the available evidence is currently insufficient to determine the role of this variant in disease. Therefore, it has been classified as a Variant of Uncertain Significance.

Ambry Genetics
Classification: Uncertain significance for Inborn genetic diseases. Last evaluated: 2021-08-17. Review status: criteria provided, single submitter. Criteria: Ambry Variant Classification Scheme 2023. Collection method: clinical testing. Allele origin: germline.

NM_003919.3(SGCE):c.429G>T (p.Arg143Ser)

Genes: CASD1 (CAS1 domain sialic acid O acetyltransferase 1; plus strand), SGCE (sarcoglycan epsilon; minus strand). Cytogenetic location: 7q21.3.
Variant type: single nucleotide variant.
Coding change: c.429G>T on transcript NM_003919.3 (MANE Select); coding-DNA position 429, G replaced by T.
Protein change: p.Arg143Ser; replaces arginine 143 with serine.
Molecular consequence: missense variant.
Genome position (GRCh38, 1-based): chr7:94,623,359, C>A on the plus strand (G>T on the coding strand, the complement: SGCE is on the minus strand). VCF-style: chr7-94623359-C-A. GRCh37 (hg19) VCF-style: chr7-94252671-C-A.
Other names: c.429G>T, p.Arg143Ser (NM_001099400.2, NM_001099401.2, NM_001346717.2); c.306G>T, p.Arg102Ser (NM_001301139.2, NM_001362809.2); c.537G>T, p.Arg179Ser (NM_001346713.2, NM_001346715.2); c.342G>T, p.Arg114Ser (NM_001346719.2, NM_001362807.2); c.156G>T, p.Arg52Ser (NM_001346720.2, NM_001362808.2); c.429G>T (NM_003919.2); short protein forms R102S, R143S, R114S, R179S, R52S.
Identifiers: ClinVar variation 1414820 (VCV001414820.9), dbSNP rs145010266, ClinGen allele CA4348804.
Genomic context (GRCh38, chr7:94,623,359, plus strand): 5'-AATGATCAACATATTTTCATACCTACCTTCTGCAGACATTATATTAATTATCAAATTATG[C>A]CTTGCAGTCTCAAAGGTGCGCCTGTTGTAGGCAGTTATCTATTATAAAAGGAAAACCATA-3'
Protein context (NP_003910.1, residues 133-153): AYNRRTFETA[Arg143Ser]HNLIINIMSA